The following is an entry in ClinVar:

NM_015335.5(MED13L):c.735G>T (p.Met245Ile)

Gene: MED13L (mediator complex subunit 13L; minus strand). Cytogenetic location: 12q24.21.
Variant type: single nucleotide variant.
Coding change: c.735G>T on transcript NM_015335.5 (MANE Select); coding-DNA position 735, G replaced by T.
Protein change: p.Met245Ile; replaces methionine 245 with isoleucine.
Molecular consequence: missense variant.
Genome position (GRCh38, 1-based): chr12:116,019,863, C>A on the plus strand (G>T on the coding strand, the complement: MED13L is on the minus strand). VCF-style: chr12-116019863-C-A. GRCh37 (hg19) VCF-style: chr12-116457668-C-A.
Other names: short protein forms M245I.
Identifiers: ClinVar variation 2571854 (VCV002571854.1), dbSNP rs2499945894, ClinGen allele CA386871003.

ClinVar aggregate classification (germline): Uncertain significance (1 of 4 stars; one submission).

Submission:

GeneDx
Classification: Uncertain significance. Last evaluated: 2023-01-04. Review status: criteria provided, single submitter. Criteria: GeneDx Variant Classification Process June 2021. Collection method: clinical testing. Allele origin: germline. Affected: yes.
Comment: Not observed at significant frequency in large population cohorts (gnomAD); In silico analysis supports that this missense variant does not alter protein structure/function; Has not been previously published as pathogenic or benign to our knowledge